The following is an entry in ClinVar:

ClinVar aggregate classification (germline): Pathogenic (1 of 4 stars; one submission).

Conditions:
Cystic fibrosis (CF). Also called: MUCOVISCIDOSIS. Identifiers: Orphanet 586, MedGen C0010674, MONDO:0009061, OMIM 219700. Disease mechanism: loss of function.

gnomAD v4.1: 2 of 152,008 alleles (0.0013%); highest among the groups gnomAD compares: Non-Finnish European, 0.0029%; no homozygotes.

Submission:

Institute of Human Genetics, University of Leipzig Medical Center
Classification: Pathogenic for Cystic fibrosis. Last evaluated: 2025-08-04. Review status: criteria provided, single submitter. Criteria: ACMG Guidelines, 2015. Collection method: clinical testing. Allele origin: unknown. Inheritance: Autosomal recessive inheritance. Affected: yes.
Comment: Criteria applied: PM3_VSTR,PS3,PM4,PP4

NM_000492.4(CFTR):c.3873+3080T>C

Genes: CFTR (CF transmembrane conductance regulator; plus strand), CFTR-AS2 (CFTR antisense RNA 2; minus strand), LOC111674467 (CFTR intron 20 enhancer; plus strand). Cytogenetic location: 7q31.2.
Variant type: single nucleotide variant.
Coding change: c.3873+3080T>C on transcript NM_000492.4 (MANE Select); 3080 bases into the intron after coding-DNA position 3873, T replaced by C.
Molecular consequence: intron variant.
Genome position (GRCh38, 1-based): chr7:117,645,673, T>C. VCF-style: chr7-117645673-T-C. GRCh37 (hg19) VCF-style: chr7-117285727-T-C.
Identifiers: ClinVar variation 4279028 (VCV004279028.1).
Genomic context (GRCh38, chr7:117,645,673, plus strand): 5'-CCTCCATTATATGAGTCATACAAATTAGACTTTTCAAAGCAACATTAACATTGTGTGAAT[T>C]TGGGGTTTTTGACTAATCCCAACATTCCACCCCCACATTCCAGTCCCACATGGGATTTGG-3'